The following is an entry in ClinVar:

NM_001127222.2(CACNA1A):c.1913+1G>T

Gene: CACNA1A (calcium voltage-gated channel subunit alpha1 A; minus strand). Cytogenetic location: 19p13.13.
Variant type: single nucleotide variant.
Coding change: c.1913+1G>T on transcript NM_001127222.2 (MANE Select); the canonical splice donor site of the intron after coding-DNA position 1913, G replaced by T.
Molecular consequence: splice donor variant.
Genome position (GRCh38, 1-based): chr19:13,308,119, C>A on the plus strand (G>T on the coding strand, the complement: CACNA1A is on the minus strand). VCF-style: chr19-13308119-C-A. GRCh37 (hg19) VCF-style: chr19-13418933-C-A.
Other names: c.1916+1G>T (NM_001127221.2, NM_001174080.2, NM_000068.4 and 1 more transcripts).
Identifiers: ClinVar variation 3906368 (VCV003906368.2).
Genomic context (GRCh38, chr19:13,308,119, plus strand): 5'-TGTGTGTTCCCTGAGCCTGACCCCAGGGAACCAGGAGTTGGAATTCCTGTGAAGGACTTA[C>A]TGGCCGCCGAAGAGTTGCATTCCCAAAAGGGCGAAGACGACAATGAACAGGAAAAGGAGA-3'

ClinVar aggregate classification (germline): Likely pathogenic (1 of 4 stars; one submission).

Submission:

GeneDx
Classification: Likely pathogenic. Last evaluated: 2025-07-23. Review status: criteria provided, single submitter. Criteria: GeneDx Variant Classification Process June 2021. Collection method: clinical testing. Allele origin: germline.
Comment: Canonical splice site variant predicted to result in an in-frame loss of the adjacent exon in a gene for which loss of function is a known mechanism of disease; Not observed at significant frequency in large population cohorts (gnomAD); Has not been previously published as pathogenic or benign to our knowledge